The following is an entry in ClinVar:

ClinVar aggregate classification (germline): Pathogenic (1 of 4 stars; one submission).

Submission:

Labcorp Genetics (formerly Invitae), Labcorp
Classification: Pathogenic. Last evaluated: 2021-03-13. Review status: criteria provided, single submitter. Criteria: Invitae Variant Classification Sherloc (09022015). Collection method: clinical testing. Allele origin: germline.
Comment: For these reasons, this variant has been classified as Pathogenic. This variant has not been reported in the literature in individuals with P3H2-related conditions. This variant is a gross deletion of the genomic region encompassing exon(s) 9 of the P3H2 gene. This deletion is out-of-frame, and is expected to create a premature translational stop signal and result in an absent or disrupted protein product. Loss-of-function variants in P3H2 are known to be pathogenic (PMID: 24172257, 25469533).

Literature cited by the submitters: PubMed 24172257; PubMed 25469533.

NC_000003.11:g.(?_189692327)_(189692494_?)del

Gene: P3H2 (prolyl 3-hydroxylase 2; minus strand). Cytogenetic location: 3q28.
Variant type: Deletion.
Identifiers: ClinVar variation 1460022 (VCV001460022.6).